The following is an entry in ClinVar:

ClinVar aggregate classification (germline): Benign. Review status: criteria provided, multiple submitters, no conflicts (2 of 4 stars). 23 submissions from 16 submitters: Benign (20). 3 of the submissions do not count toward it. Last evaluated 2026-02-04.

Conditions:
Dilated cardiomyopathy 1G (CMD1G). Identifiers: Orphanet 154, MedGen C1858763, MONDO:0011400, OMIM 604145.
Autosomal recessive limb-girdle muscular dystrophy type 2J (LGMDR10). Also called: MUSCULAR DYSTROPHY, LIMB-GIRDLE, AUTOSOMAL RECESSIVE 10; Limb-girdle muscular dystrophy, type 2J. Identifiers: Orphanet 140922, MedGen C1837342, MONDO:0012127, OMIM 608807.
Cardiovascular phenotype. Identifiers: MedGen CN230736.
Early-onset myopathy with fatal cardiomyopathy (CMYO5). Also called: CONGENITAL MYOPATHY 5 WITH CARDIOMYOPATHY; Salih Myopathy. Identifiers: Orphanet 289377, MedGen C2673677, MONDO:0012714, OMIM 611705. Disease mechanism: loss of function.
Myopathy, myofibrillar, 9, with early respiratory failure (MFM9). Also called: Myopathy, distal, with early respiratory failure, autosomal dominant; Hereditary myopathy with early respiratory failure; MYOPATHY, PROXIMAL, WITH EARLY RESPIRATORY MUSCLE INVOLVEMENT; EDSTROM MYOPATHY. Identifiers: Orphanet 178464, Orphanet 34521, MedGen C1863599, MONDO:0011362, OMIM 603689.
Tibial muscular dystrophy (TMD). Also called: Udd Distal Myopathy – Tibial Muscular Dystrophy; Tibial muscular dystrophy, tardive; UDD MYOPATHY. Identifiers: Orphanet 609, MedGen C1838244, MONDO:0010870, OMIM 600334.

Allele frequency attached by ClinVar (database versions not stated): TOPMed 0.37718; 1000 Genomes Project 0.51238; gnomAD exomes 0.26872 and 0.35464; ESP Exome Variant Server 0.31943; gnomAD 0.36253 and 0.35615; ExAC 0.35438; 1000 Genomes Project 30x 0.50750.
gnomAD v4.1: 449,935 of 1,612,664 alleles (28%); highest among the groups gnomAD compares: East Asian, 70%; 75,669 homozygotes.

Submissions (23):

Labcorp Genetics (formerly Invitae), Labcorp
Classification: Benign for Dilated cardiomyopathy 1G; Autosomal recessive limb-girdle muscular dystrophy type 2J. Last evaluated: 2026-02-04. Review status: criteria provided, single submitter. Criteria: Invitae Variant Classification Sherloc (09022015). Collection method: clinical testing. Allele origin: germline.

Molecular Diagnostic Laboratory for Inherited Cardiovascular Disease, Montreal Heart Institute
Classification: Benign. Last evaluated: 2025-04-09. Review status: criteria provided, single submitter. Criteria: ACMG Guidelines, 2015. Collection method: clinical testing. Allele origin: germline. Affected: no.

Genome-Nilou Lab
Classification: Benign for Autosomal recessive limb-girdle muscular dystrophy type 2J. Last evaluated: 2021-09-10. Review status: criteria provided, single submitter. Criteria: ACMG Guidelines, 2015. Collection method: clinical testing. Allele origin: germline. Affected: no.

Genome-Nilou Lab
Classification: Benign for Myopathy, myofibrillar, 9, with early respiratory failure. Last evaluated: 2021-09-10. Review status: criteria provided, single submitter. Criteria: ACMG Guidelines, 2015. Collection method: clinical testing. Allele origin: germline. Affected: no.

Genome-Nilou Lab
Classification: Benign for Early-onset myopathy with fatal cardiomyopathy. Last evaluated: 2021-09-10. Review status: criteria provided, single submitter. Criteria: ACMG Guidelines, 2015. Collection method: clinical testing. Allele origin: germline. Affected: no.

Genome-Nilou Lab
Classification: Benign for Tibial muscular dystrophy. Last evaluated: 2021-09-10. Review status: criteria provided, single submitter. Criteria: ACMG Guidelines, 2015. Collection method: clinical testing. Allele origin: germline. Affected: no.

Women's Health and Genetics/Laboratory Corporation of America, LabCorp
Classification: Benign. Last evaluated: 2019-08-19. Review status: criteria provided, single submitter. Criteria: LabCorp Variant Classification Summary - May 2015. Collection method: clinical testing. Allele origin: germline.

Athena Diagnostics
Classification: Benign. Last evaluated: 2018-11-02. Review status: criteria provided, single submitter. Criteria: Athena Diagnostics Criteria. Collection method: clinical testing. Allele origin: germline.

Illumina Laboratory Services, Illumina
Classification: Benign for Autosomal recessive limb-girdle muscular dystrophy type 2J. Last evaluated: 2018-01-12. Review status: criteria provided, single submitter. Criteria: ICSL Variant Classification Criteria 13 December 2019. Collection method: clinical testing. Allele origin: germline.
Comment: This variant was observed in the ICSL laboratory as part of a predisposition screen in an ostensibly healthy population. It had not been previously curated by ICSL or reported in the Human Gene Mutation Database (HGMD: prior to June 1st, 2018), and was therefore a candidate for classification through an automated scoring system. Utilizing variant allele frequency, disease prevalence and penetrance estimates, and inheritance mode, an automated score was calculated to assess if this variant is too frequent to cause the disease. Based on the score and internal cut-off values, a variant classified as benign is not then subjected to further curation. The score for this variant resulted in a classification of benign for this disease.

Illumina Laboratory Services, Illumina
Classification: Benign for Early-onset myopathy with fatal cardiomyopathy. Last evaluated: 2018-01-12. Review status: criteria provided, single submitter. Criteria: ICSL Variant Classification Criteria 13 December 2019. Collection method: clinical testing. Allele origin: germline.
Comment: the same text as in the submission from Illumina Laboratory Services, Illumina above.

Illumina Laboratory Services, Illumina
Classification: Benign for Myopathy, myofibrillar, 9, with early respiratory failure. Last evaluated: 2018-01-12. Review status: criteria provided, single submitter. Criteria: ICSL Variant Classification Criteria 13 December 2019. Collection method: clinical testing. Allele origin: germline.
Comment: the same text as in the submission from Illumina Laboratory Services, Illumina above.

Illumina Laboratory Services, Illumina
Classification: Benign for Tibial muscular dystrophy. Last evaluated: 2018-01-12. Review status: criteria provided, single submitter. Criteria: ICSL Variant Classification Criteria 13 December 2019. Collection method: clinical testing. Allele origin: germline.
Comment: the same text as in the submission from Illumina Laboratory Services, Illumina above.

Illumina Laboratory Services, Illumina
Classification: Benign for Dilated cardiomyopathy 1G. Last evaluated: 2018-01-12. Review status: criteria provided, single submitter. Criteria: ICSL Variant Classification Criteria 13 December 2019. Collection method: clinical testing. Allele origin: germline.
Comment: the same text as in the submission from Illumina Laboratory Services, Illumina above.

Mayo Clinic Laboratories, Mayo Clinic
Classification: Benign. Last evaluated: 2017-08-24. Review status: criteria provided, single submitter. Criteria: ACMG Guidelines, 2015. Collection method: clinical testing. Allele origin: germline. Observed: 1,171 variant alleles.

Genetic Services Laboratory, University of Chicago
Classification: Benign for AllHighlyPenetrant. Last evaluated: 2013-08-15. Review status: criteria provided, single submitter. Criteria: ACMG Guidelines, 2007. Collection method: clinical testing. Allele origin: germline.

Ambry Genetics
Classification: Benign for Cardiovascular phenotype. Last evaluated: 2013-01-09. Review status: criteria provided, single submitter. Criteria: Ambry Autosomal Dominant and X-Linked criteria (10/2015). Collection method: clinical testing. Allele origin: germline. Observed: 1 variant allele.

GeneDx
Classification: Benign. Last evaluated: 2012-10-31. Review status: criteria provided, single submitter. Criteria: GeneDx Variant Classification (06012015). Collection method: clinical testing. Allele origin: germline. Affected: yes.
Comment: This variant is considered likely benign or benign based on one or more of the following criteria: it is a conservative change, it occurs at a poorly conserved position in the protein, it is predicted to be benign by multiple in silico algorithms, and/or has population frequency not consistent with disease.

Laboratory for Molecular Medicine, Mass General Brigham Personalized Medicine
Classification: Benign. Last evaluated: 2011-09-27. Review status: criteria provided, single submitter. Criteria: LMM Criteria. Collection method: clinical testing. Allele origin: germline. Observed: 945 variant alleles.

Breakthrough Genomics
Classification: Benign. Review status: criteria provided, single submitter. Criteria: ACMG Guidelines, 2015. Collection method: not provided. Allele origin: germline. Inheritance: Autosomal recessive inheritance. Affected: yes.

PreventionGenetics, part of Exact Sciences
Classification: Benign. Review status: criteria provided, single submitter. Criteria: ACMG Guidelines, 2015. Collection method: clinical testing. Allele origin: germline.

Clinical Genetics DNA and cytogenetics Diagnostics Lab, Erasmus MC, Erasmus Medical Center
Classification: Benign. Review status: no assertion criteria provided. Collection method: clinical testing. Allele origin: germline. Affected: yes. Study: VKGL Data-share Consensus. Not counted in ClinVar's aggregate classification.

Clinical Genetics, Academic Medical Center
Classification: Benign. Review status: no assertion criteria provided. Collection method: clinical testing. Allele origin: germline. Affected: yes. Study: VKGL Data-share Consensus. Not counted in ClinVar's aggregate classification.

Joint Genome Diagnostic Labs from Nijmegen and Maastricht, Radboudumc and MUMC+
Classification: Benign. Review status: no assertion criteria provided. Collection method: clinical testing. Allele origin: germline. Affected: yes. Study: VKGL Data-share Consensus. Not counted in ClinVar's aggregate classification.

NM_001267550.2(TTN):c.61245A>G (p.Thr20415=)

Genes: TTN (titin; minus strand), TTN-AS1 (TTN antisense RNA 1; plus strand). Cytogenetic location: 2q31.2.
Variant type: single nucleotide variant.
Coding change: c.61245A>G on transcript NM_001267550.2 (MANE Select); coding-DNA position 61245, A replaced by G.
Protein change: p.Thr20415=; no amino-acid change (threonine 20415 retained).
Molecular consequence: synonymous variant.
Genome position (GRCh38, 1-based): chr2:178,590,480, T>C on the plus strand (A>G on the coding strand, the complement: TTN is on the minus strand). VCF-style: chr2-178590480-T-C. GRCh37 (hg19) VCF-style: chr2-179455207-T-C.
Other names: p.T18774T:ACA>ACG; p.Thr17847=; c.56322A>G, p.Thr18774= (NM_001256850.1); c.34050A>G, p.Thr11350= (NM_003319.4); c.53541A>G, p.Thr17847= (NM_133378.4); c.34425A>G, p.Thr11475= (NM_133432.3); c.34626A>G, p.Thr11542= (NM_133437.4).
Identifiers: ClinVar variation 47170 (VCV000047170.36), dbSNP rs2163009, ClinGen allele CA283536.